The following is an entry in ClinVar:

ClinVar aggregate classification (germline): Uncertain significance (1 of 4 stars; one submission).

Conditions:
Inborn genetic diseases. Identifiers: MedGen C0950123, MeSH D030342.

gnomAD v4.1: 1 of 1,613,750 alleles (0.000062%); highest among the groups gnomAD compares: Non-Finnish European, 0.000085%; no homozygotes.

Submission:

Ambry Genetics
Classification: Uncertain significance for Inborn genetic diseases. Last evaluated: 2022-10-09. Review status: criteria provided, single submitter. Criteria: Ambry Variant Classification Scheme 2023. Collection method: clinical testing. Allele origin: germline.
Comment: The p.E1902G variant (also known as c.5705A>G), located in coding exon 39 of the LRRK2 gene, results from an A to G substitution at nucleotide position 5705. The glutamic acid at codon 1902 is replaced by glycine, an amino acid with similar properties. This amino acid position is conserved. In addition, the in silico prediction for this alteration is inconclusive. Since supporting evidence is limited at this time, the clinical significance of this alteration remains unclear.

NM_198578.4(LRRK2):c.5705A>G (p.Glu1902Gly)

Gene: LRRK2 (leucine rich repeat kinase 2; plus strand). Cytogenetic location: 12q12.
Variant type: single nucleotide variant.
Coding change: c.5705A>G on transcript NM_198578.4 (MANE Select); coding-DNA position 5705, A replaced by G.
Protein change: p.Glu1902Gly; replaces glutamic acid 1902 with glycine.
Molecular consequence: missense variant.
Genome position (GRCh38, 1-based): chr12:40,328,408, A>G. VCF-style: chr12-40328408-A-G. GRCh37 (hg19) VCF-style: chr12-40722210-A-G.
Other names: short protein forms E1902G.
Identifiers: ClinVar variation 1749188 (VCV001749188.2), dbSNP rs2499907542, ClinGen allele CA384399596.
Genomic context (GRCh38, chr12:40,328,408, plus strand): 5'-TCTTTTCAAAAGGTGATGGCAGTTTTGGATCAGTTTACCGAGCAGCCTATGAAGGAGAAG[A>G]AGTGGCTGTGAAGATTTTTAATAAACATACATCACTCAGGCTGTTAAGACAAGTAAGAAA-3'
Protein context (NP_940980.4, residues 1892-1912): SVYRAAYEGE[Glu1902Gly]VAVKIFNKHT